The following is an entry in ClinVar:

ClinVar aggregate classification (germline): Uncertain significance (1 of 4 stars; one submission).

Allele frequency attached by ClinVar (database versions not stated): gnomAD 0.00001.
gnomAD v4.1: 1 of 1,613,904 alleles (0.000062%); highest among the groups gnomAD compares: South Asian, 0.0011%; no homozygotes.

Submission:

GeneDx
Classification: Uncertain significance. Last evaluated: 2023-08-25. Review status: criteria provided, single submitter. Criteria: GeneDx Variant Classification Process June 2021. Collection method: clinical testing. Allele origin: germline. Affected: yes.
Comment: Not observed at significant frequency in large population cohorts (gnomAD); In silico analysis supports that this missense variant has a deleterious effect on protein structure/function; Has not been previously published as pathogenic or benign to our knowledge

NM_000400.4(ERCC2):c.1953T>G (p.Phe651Leu)

Gene: ERCC2 (ERCC excision repair 2, TFIIH core complex helicase subunit; minus strand). Cytogenetic location: 19q13.32.
Variant type: single nucleotide variant.
Coding change: c.1953T>G on transcript NM_000400.4 (MANE Select); coding-DNA position 1953, T replaced by G.
Protein change: p.Phe651Leu; replaces phenylalanine 651 with leucine.
Molecular consequence: missense variant.
Genome position (GRCh38, 1-based): chr19:45,352,599, A>C on the plus strand (T>G on the coding strand, the complement: ERCC2 is on the minus strand). VCF-style: chr19-45352599-A-C. GRCh37 (hg19) VCF-style: chr19-45855857-A-C.
Other names: short protein forms F651L.
Identifiers: ClinVar variation 2443527 (VCV002443527.2), dbSNP rs1971847837, ClinGen allele CA406363327.
Genomic context (GRCh38, chr19:45,352,599, plus strand): 5'-CTTGCCCCTGATGGCCCGACCCACACACTGGGCCGCGTGGCGCATGGCATCGAAGGTAAG[A>C]AAGTCATTCTCACGAATCTGGAACTGGTCCCGCAGGTATTCCAGCCGCGCCTGCAGATAC-3'
Protein context (NP_000391.1, residues 641-661): RDQFQIREND[Phe651Leu]LTFDAMRHAA